The following is an entry in ClinVar:

NM_004064.5(CDKN1B):c.64G>A (p.Glu22Lys)

Gene: CDKN1B (cyclin dependent kinase inhibitor 1B; plus strand). Cytogenetic location: 12p13.1.
Variant type: single nucleotide variant.
Coding change: c.64G>A on transcript NM_004064.5 (MANE Select); coding-DNA position 64, G replaced by A.
Protein change: p.Glu22Lys; replaces glutamic acid 22 with lysine.
Molecular consequence: missense variant.
Genome position (GRCh38, 1-based): chr12:12,717,903, G>A. VCF-style: chr12-12717903-G-A. GRCh37 (hg19) VCF-style: chr12-12870837-G-A.
Other names: short protein forms E22K.
Identifiers: ClinVar variation 1349003 (VCV001349003.6), dbSNP rs2136355461, ClinGen allele CA383968255.

ClinVar aggregate classification (germline): Uncertain significance (1 of 4 stars; one submission).

Conditions:
Multiple endocrine neoplasia type 4. Also called: MULTIPLE ENDOCRINE NEOPLASIA, TYPE IV. Identifiers: Orphanet 276152, MedGen C1970712, MONDO:0012552, OMIM 610755.

gnomAD v4.1: 1 of 1,614,116 alleles (0.000062%); highest among the groups gnomAD compares: Non-Finnish European, 0.000085%; no homozygotes.

Submission:

Labcorp Genetics (formerly Invitae), Labcorp
Classification: Uncertain significance for Multiple endocrine neoplasia type 4. Last evaluated: 2021-11-02. Review status: criteria provided, single submitter. Criteria: Invitae Variant Classification Sherloc (09022015). Collection method: clinical testing. Allele origin: germline.
Comment: In summary, the available evidence is currently insufficient to determine the role of this variant in disease. Therefore, it has been classified as a Variant of Uncertain Significance. Algorithms developed to predict the effect of missense changes on protein structure and function are either unavailable or do not agree on the potential impact of this missense change (SIFT: "Deleterious"; PolyPhen-2: "Benign"; Align-GVGD: "Class C55"). This variant has not been reported in the literature in individuals affected with CDKN1B-related conditions. This variant is not present in population databases (gnomAD no frequency). This sequence change replaces glutamic acid, which is acidic and polar, with lysine, which is basic and polar, at codon 22 of the CDKN1B protein (p.Glu22Lys).